The following is an entry in ClinVar:

ClinVar aggregate classification (germline): Benign. Review status: criteria provided, multiple submitters, no conflicts (2 of 4 stars). 11 submissions from 11 submitters: Benign (8). 3 of the submissions do not count toward it. Last evaluated 2026-02-04.

Conditions:
Inborn genetic diseases. Identifiers: MedGen C0950123, MeSH D030342.
Neuronal ceroid lipofuscinosis. Also called: Neuronal Ceroid Lipofuscinoses. Identifiers: Orphanet 216, Orphanet 79263, MedGen C0027877, MONDO:0016295. Disease mechanism: loss of function.
Neuronal ceroid lipofuscinosis 10 (CLN10). Also called: NEURONAL CEROID LIPOFUSCINOSIS DUE TO CATHEPSIN D DEFICIENCY; CTSD-Related Neuronal Ceroid-Lipofuscinosis. Identifiers: Orphanet 228337, MedGen C1864669, MONDO:0012414, OMIM 610127.

Allele frequency attached by ClinVar (database versions not stated): 1000 Genomes Project 0.07628; gnomAD exomes 0.07698 and 0.08277; 1000 Genomes Project 30x 0.07823; ExAC 0.07837; gnomAD 0.08387 and 0.08391; TOPMed 0.08559; ESP Exome Variant Server 0.08952.
gnomAD v4.1: 133,452 of 1,606,950 alleles (8.3%); highest among the groups gnomAD compares: Middle Eastern, 14%; 5,929 homozygotes.

Submissions (11):

Labcorp Genetics (formerly Invitae), Labcorp
Classification: Benign for Neuronal ceroid lipofuscinosis. Last evaluated: 2026-02-04. Review status: criteria provided, single submitter. Criteria: Invitae Variant Classification Sherloc (09022015). Collection method: clinical testing. Allele origin: germline.

Athena Diagnostics
Classification: Benign. Last evaluated: 2018-05-07. Review status: criteria provided, single submitter. Criteria: Athena Diagnostics Criteria. Collection method: clinical testing. Allele origin: germline.

Illumina Laboratory Services, Illumina
Classification: Benign for Neuronal ceroid lipofuscinosis 10. Last evaluated: 2018-01-13. Review status: criteria provided, single submitter. Criteria: ICSL Variant Classification Criteria 13 December 2019. Collection method: clinical testing. Allele origin: germline.
Comment: This variant was observed in the ICSL laboratory as part of a predisposition screen in an ostensibly healthy population. It had not been previously curated by ICSL or reported in the Human Gene Mutation Database (HGMD: prior to June 1st, 2018), and was therefore a candidate for classification through an automated scoring system. Utilizing variant allele frequency, disease prevalence and penetrance estimates, and inheritance mode, an automated score was calculated to assess if this variant is too frequent to cause the disease. Based on the score and internal cut-off values, a variant classified as benign is not then subjected to further curation. The score for this variant resulted in a classification of benign for this disease.

Ambry Genetics
Classification: Benign for Inborn genetic diseases. Last evaluated: 2016-03-14. Review status: criteria provided, single submitter. Criteria: Ambry Variant Classification Scheme 2023. Collection method: clinical testing. Allele origin: germline.

Clinical Genetics DNA and cytogenetics Diagnostics Lab, Erasmus MC, Erasmus Medical Center
Classification: Benign for Neuronal ceroid lipofuscinosis 10. Last evaluated: 2015-09-21. Review status: criteria provided, single submitter. Criteria: ACGS Guidelines, 2013. Collection method: clinical testing. Allele origin: germline. Affected: yes. Study: VKGL Data-share Consensus.

GeneDx
Classification: Benign. Last evaluated: 2013-06-19. Review status: criteria provided, single submitter. Criteria: GeneDx Variant Classification (06012015). Collection method: clinical testing. Allele origin: germline. Affected: yes.
Comment: This variant is considered likely benign or benign based on one or more of the following criteria: it is a conservative change, it occurs at a poorly conserved position in the protein, it is predicted to be benign by multiple in silico algorithms, and/or has population frequency not consistent with disease.

Breakthrough Genomics
Classification: Benign. Review status: criteria provided, single submitter. Criteria: ACMG Guidelines, 2015. Collection method: not provided. Allele origin: germline. Inheritance: Autosomal recessive inheritance. Affected: yes.

PreventionGenetics, part of Exact Sciences
Classification: Benign. Review status: criteria provided, single submitter. Criteria: ACMG Guidelines, 2015. Collection method: clinical testing. Allele origin: germline.

Genome Diagnostics Laboratory, Amsterdam University Medical Center
Classification: Benign for Neuronal ceroid lipofuscinosis 10. Last evaluated: 2017-09-01. Review status: no assertion criteria provided. Criteria: ACGS Guidelines, 2013. Collection method: clinical testing. Allele origin: germline. Affected: yes. Study: VKGL Data-share Consensus. Not counted in ClinVar's aggregate classification.

Mayo Clinic Laboratories, Mayo Clinic
Classification: Benign. Last evaluated: 2015-12-15. Review status: no assertion criteria provided. Collection method: clinical testing. Allele origin: unknown. Not counted in ClinVar's aggregate classification.

Genetic Services Laboratory, University of Chicago
Classification: Likely benign for AllHighlyPenetrant. Review status: no assertion criteria provided. Collection method: clinical testing. Allele origin: germline. Inheritance: Autosomal recessive inheritance. Not counted in ClinVar's aggregate classification.
Comment: Likely benign based on allele frequency in 1000 Genomes Project or ESP global frequency and its presence in a patient with a rare or unrelated disease phenotype. NOT Sanger confirmed.

NM_001909.5(CTSD):c.465T>C (p.Thr155=)

Gene: CTSD (cathepsin D; minus strand). Cytogenetic location: 11p15.5.
Variant type: single nucleotide variant.
Coding change: c.465T>C on transcript NM_001909.5 (MANE Select); coding-DNA position 465, T replaced by C.
Protein change: p.Thr155=; no amino-acid change (threonine 155 retained).
Molecular consequence: synonymous variant.
Genome position (GRCh38, 1-based): chr11:1,758,975, A>G on the plus strand (T>C on the coding strand, the complement: CTSD is on the minus strand). VCF-style: chr11-1758975-A-G. GRCh37 (hg19) VCF-style: chr11-1780205-A-G.
Other names: p.T155T:ACT>ACC.
Identifiers: ClinVar variation 128876 (VCV000128876.29), dbSNP rs11555039, ClinGen allele CA152537.